The following is an entry in ClinVar:

NM_006432.5(NPC2):c.130_131del (p.Thr44fs)

Gene: NPC2 (NPC intracellular cholesterol transporter 2; minus strand). Cytogenetic location: 14q24.3.
Variant type: Deletion.
Coding change: c.130_131del on transcript NM_006432.5 (MANE Select); coding-DNA positions 130 to 131, 2 bases deleted (AC; older notation c.130_131delAC).
Protein change: p.Thr44fs; shifts the reading frame from threonine 44.
Molecular consequence: frameshift variant.
Genome position (GRCh38, 1-based): chr14:74,486,388-74,486,389, GT deleted on the plus strand (AC on the coding strand, the reverse complement: NPC2 is on the minus strand); deleting any 2 consecutive bases within chr14:74,486,388-74,486,390 gives the same sequence; the c. name uses the placement nearest the transcript's 3' end. VCF-style (leftmost placement, unchanged base first): chr14-74486387-GGT-G. GRCh37 (hg19) VCF-style: chr14-74953090-GGT-G.
Other names: c.130_131del, p.Thr44fs (NM_001363688.1, NM_001375440.1); short protein forms T44fs.
Identifiers: ClinVar variation 2766060 (VCV002766060.3), dbSNP rs2086712682, ClinGen allele CA2147067099.

ClinVar aggregate classification (germline): Pathogenic (1 of 4 stars; one submission).

Conditions:
Niemann-Pick disease, type C2 (NPC2). Identifiers: Orphanet 646, MedGen C1843366, MONDO:0011873, OMIM 607625.

Submission:

Labcorp Genetics (formerly Invitae), Labcorp
Classification: Pathogenic for Niemann-Pick disease, type C2. Last evaluated: 2023-10-05. Review status: criteria provided, single submitter. Criteria: Invitae Variant Classification Sherloc (09022015). Collection method: clinical testing. Allele origin: germline.
Comment: This sequence change creates a premature translational stop signal (p.Thr44Profs*24) in the NPC2 gene. It is expected to result in an absent or disrupted protein product. Loss-of-function variants in NPC2 are known to be pathogenic (PMID: 25145893). This variant is not present in population databases (gnomAD no frequency). This variant has not been reported in the literature in individuals affected with NPC2-related conditions. For these reasons, this variant has been classified as Pathogenic.

Literature cited by the submitters: PubMed 25145893.